The following is an entry in ClinVar:

NM_000843.4(GRM6):c.1438G>A (p.Gly480Ser)

Genes: GRM6 (glutamate metabotropic receptor 6; minus strand), ZNF454 (zinc finger protein 454; plus strand). Cytogenetic location: 5q35.3.
Variant type: single nucleotide variant.
Coding change: c.1438G>A on transcript NM_000843.4 (MANE Select); coding-DNA position 1438, G replaced by A.
Protein change: p.Gly480Ser; replaces glycine 480 with serine.
Molecular consequence: missense variant.
Genome position (GRCh38, 1-based): chr5:178,986,900, C>T on the plus strand (G>A on the coding strand, the complement: GRM6 is on the minus strand). VCF-style: chr5-178986900-C-T. GRCh37 (hg19) VCF-style: chr5-178413901-C-T.
Other names: short protein forms G480S.
Identifiers: ClinVar variation 1437491 (VCV001437491.6), dbSNP rs921298661, ClinGen allele CA133026448.

ClinVar aggregate classification (germline): Uncertain significance (1 of 4 stars; one submission).

Allele frequency attached by ClinVar (database versions not stated): gnomAD exomes 0.00001 and below 0.00001; TOPMed 0.00001; gnomAD 0.00001.
gnomAD v4.1: 10 of 1,614,074 alleles (0.00062%); highest among the groups gnomAD compares: Non-Finnish European, 0.00076%; no homozygotes.

Submission:

Labcorp Genetics (formerly Invitae), Labcorp
Classification: Uncertain significance. Last evaluated: 2025-03-17. Review status: criteria provided, single submitter. Criteria: Invitae Variant Classification Sherloc (09022015). Collection method: clinical testing. Allele origin: germline.
Comment: This sequence change replaces glycine, which is neutral and non-polar, with serine, which is neutral and polar, at codon 480 of the GRM6 protein (p.Gly480Ser). This variant is present in population databases (no rsID available, gnomAD 0.004%). This variant has not been reported in the literature in individuals affected with GRM6-related conditions. ClinVar contains an entry for this variant (Variation ID: 1437491). Invitae Evidence Modeling of protein sequence and biophysical properties (such as structural, functional, and spatial information, amino acid conservation, physicochemical variation, residue mobility, and thermodynamic stability) indicates that this missense variant is not expected to disrupt GRM6 protein function with a negative predictive value of 95%. In summary, the available evidence is currently insufficient to determine the role of this variant in disease. Therefore, it has been classified as a Variant of Uncertain Significance.